The following is an entry in ClinVar:

NM_001370298.3(FGD4):c.1777C>A (p.Pro593Thr)

Gene: FGD4 (FYVE, RhoGEF and PH domain containing 4; plus strand). Cytogenetic location: 12p11.21.
Variant type: single nucleotide variant.
Coding change: c.1777C>A on transcript NM_001370298.3 (MANE Select); coding-DNA position 1777, C replaced by A.
Protein change: p.Pro593Thr; replaces proline 593 with threonine.
Molecular consequence: missense variant.
Genome position (GRCh38, 1-based): chr12:32,619,725, C>A. VCF-style: chr12-32619725-C-A. GRCh37 (hg19) VCF-style: chr12-32772659-C-A.
Other names: c.1621C>A, p.Pro541Thr (NM_001304481.2); c.622C>A, p.Pro208Thr (NM_001304483.2); c.334C>A, p.Pro112Thr (NM_001304484.2); c.1087C>A, p.Pro363Thr (NM_001330373.2, NM_001330374.2, NM_001384130.1); c.814C>A, p.Pro272Thr (NM_001370297.1); c.1777C>A, p.Pro593Thr (NM_001384126.1); c.1366C>A, p.Pro456Thr (NM_001384127.1, NM_001384128.1, NM_001385118.1 and 1 more transcripts); short protein forms P456T, P541T, P272T, P363T, P112T, P208T, P593T.
Identifiers: ClinVar variation 188187 (VCV000188187.73), dbSNP rs138160928, ClinGen allele CA334267.

ClinVar aggregate classification (germline): Conflicting classifications of pathogenicity. Review status: criteria provided, conflicting classifications (1 of 4 stars). 12 submissions from 12 submitters: Uncertain significance (2); Benign (1); Likely benign (8). 1 of the submissions does not count toward it. Last evaluated 2026-08-01.

Conditions:
FGD4-related disorder. Also called: FGD4-related condition.
Charcot-Marie-Tooth disease. Also called: Charcot-Marie-Tooth Hereditary Neuropathy; Charcot-Marie-Tooth Neuropathy. Identifiers: Orphanet 166, MedGen C0007959, MONDO:0015626.
Inborn genetic diseases. Identifiers: MedGen C0950123, MeSH D030342.
Charcot-Marie-Tooth disease type 4. Also called: Charcot-Marie-Tooth disease, type IV; Charcot-Marie-Tooth, Type 4. Identifiers: Orphanet 64749, MedGen C4082197, MONDO:0018995.
Charcot-Marie-Tooth disease type 4H (CMT4H). Also called: CHARCOT-MARIE-TOOTH DISEASE, DEMYELINATING, TYPE 4H; CHARCOT-MARIE-TOOTH DISEASE, AUTOSOMAL RECESSIVE, TYPE 4H; CHARCOT-MARIE-TOOTH DISEASE, DEMYELINATING, AUTOSOMAL RECESSIVE, TYPE 4H; CHARCOT-MARIE-TOOTH NEUROPATHY, TYPE 4H. Identifiers: Orphanet 99954, MedGen C1836336, MONDO:0012250, OMIM 609311.

Allele frequency attached by ClinVar (database versions not stated): ESP Exome Variant Server 0.00138; gnomAD exomes 0.00140 and 0.00209; TOPMed 0.00144; ExAC 0.00145; gnomAD 0.00156 and 0.00168.
gnomAD v4.1: 3,230 of 1,613,932 alleles (0.2%); highest among the groups gnomAD compares: Non-Finnish European, 0.25%; 8 homozygotes.

Submissions (12):

CeGaT Center for Human Genetics Tuebingen
Classification: Likely benign. Last evaluated: 2026-08-01. Review status: criteria provided, single submitter. Criteria: CeGaT Center For Human Genetics Tuebingen Variant Classification Criteria Version 2. Collection method: clinical testing. Allele origin: germline. Affected: yes. Observed: 5 variant alleles.
Comment: FGD4: PP3, BS1

Labcorp Genetics (formerly Invitae), Labcorp
Classification: Likely benign for Charcot-Marie-Tooth disease type 4. Last evaluated: 2026-02-02. Review status: criteria provided, single submitter. Criteria: Invitae Variant Classification Sherloc (09022015). Collection method: clinical testing. Allele origin: germline.

Athena Diagnostics
Classification: Likely benign. Last evaluated: 2025-06-20. Review status: criteria provided, single submitter. Criteria: Athena Diagnostics Criteria. Collection method: clinical testing. Allele origin: unknown.
Comment: The frequency of this variant in the general population is higher than would generally be expected for pathogenic variants in this gene.

ARUP Laboratories, Molecular Genetics and Genomics, ARUP Laboratories
Classification: Uncertain significance for Charcot-Marie-Tooth disease type 4H. Last evaluated: 2025-02-13. Review status: criteria provided, single submitter. Criteria: ARUP Molecular Germline Variant Investigation Process 2024. Collection method: clinical testing. Allele origin: germline.
Comment: The FGD4 c.1366C>A; p.Pro456Thr variant (rs138160928), to our knowledge, is not reported in the medical literature but is reported in ClinVar (Variation ID: 188187). This variant is found in the non-Finnish European population with an overall allele frequency of 0.27% (344/129172 alleles, including one homozygote) in the Genome Aggregation Database (v2.1.1). Computational analyses predict that this variant is deleterious (REVEL: 0.717). However, due to limited information, the clinical significance of the p.Pro456Thr variant is uncertain at this time.

Blueprint Genetics
Classification: Likely benign. Last evaluated: 2024-11-21. Review status: criteria provided, single submitter. Criteria: ACMG Guidelines, 2015. Collection method: clinical testing. Allele origin: germline.

Women's Health and Genetics/Laboratory Corporation of America, LabCorp
Classification: Likely benign. Last evaluated: 2024-04-30. Review status: criteria provided, single submitter. Criteria: LabCorp Variant Classification Summary - May 2015. Collection method: clinical testing. Allele origin: germline.
Comment: Variant summary: FGD4 c.1366C>A (p.Pro456Thr) results in a non-conservative amino acid change located in the Pleckstrin homology domain (IPR001849) of the encoded protein sequence. Five of five in-silico tools predict a damaging effect of the variant on protein function. The variant allele was found at a frequency of 0.0014 in 251470 control chromosomes, predominantly at a frequency of 0.0027 within the Non-Finnish European subpopulation in the gnomAD database, including 1 homozygotes. c.1366C>A has been reported in the literature in individuals affected with inherited peripheral neuropaty without strong evidence for causality (Atoniadi_2015). These report(s) do not provide unequivocal conclusions about association of the variant with Charcot-Marie Disease Type 4H. To our knowledge, no experimental evidence demonstrating an impact on protein function has been reported. This variant is also known as c.177C>A (p.P593T). The following publication have been ascertained in the context of this evaluation (PMID: 26392352). ClinVar contains an entry for this variant (Variation ID: 188187). Based on the evidence outlined above, the variant was classified as likely benign.

Mayo Clinic Laboratories, Mayo Clinic
Classification: Benign. Last evaluated: 2024-01-04. Review status: criteria provided, single submitter. Criteria: ACMG Guidelines, 2015. Collection method: clinical testing. Allele origin: germline. Observed: 8 variant alleles.
Comment: BS1, BS2

GeneDx
Classification: Likely benign. Last evaluated: 2023-07-20. Review status: criteria provided, single submitter. Criteria: GeneDx Variant Classification Process June 2021. Collection method: clinical testing. Allele origin: germline. Affected: yes.
Comment: See Variant Classification Assertion Criteria.

Ambry Genetics
Classification: Likely benign for Inborn genetic diseases. Last evaluated: 2019-10-28. Review status: criteria provided, single submitter. Criteria: Ambry Variant Classification Scheme 2023. Collection method: clinical testing. Allele origin: germline.

Illumina Laboratory Services, Illumina
Classification: Uncertain significance for Charcot-Marie-Tooth disease type 4H. Last evaluated: 2018-01-13. Review status: criteria provided, single submitter. Criteria: ICSL Variant Classification Criteria 13 December 2019. Collection method: clinical testing. Allele origin: germline.

Molecular Genetics Laboratory, London Health Sciences Centre
Classification: Likely benign for Charcot-Marie-Tooth disease. Review status: criteria provided, single submitter. Criteria: ACMG Guidelines, 2015. Collection method: clinical testing. Allele origin: germline. Affected: yes.

PreventionGenetics, part of Exact Sciences
Classification: Likely benign for FGD4-related condition. Last evaluated: 2021-03-22. Review status: no assertion criteria provided. Collection method: clinical testing. Allele origin: germline. Not counted in ClinVar's aggregate classification.
Comment: This variant is classified as likely benign based on ACMG/AMP sequence variant interpretation guidelines (Richards et al. 2015 PMID: 25741868, with internal and published modifications).

Literature cited by the submitters: PubMed 26392352 (cited by Athena Diagnostics and Women's Health and Genetics/Laboratory Corporation of America, LabCorp); PubMed 31903434 (cited by Athena Diagnostics); PubMed 26257771 (cited by Athena Diagnostics).